The following is an entry in ClinVar:

NM_007294.4(BRCA1):c.1514A>T (p.Lys505Ile)

Gene: BRCA1 (BRCA1 DNA repair associated; minus strand). Cytogenetic location: 17q21.31.
Variant type: single nucleotide variant.
Coding change: c.1514A>T on transcript NM_007294.4 (MANE Select); coding-DNA position 1514, A replaced by T.
Protein change: p.Lys505Ile; replaces lysine 505 with isoleucine.
Molecular consequence: missense variant. On other transcripts: intron variant (137).
Genome position (GRCh38, 1-based): chr17:43,094,017, T>A on the plus strand (A>T on the coding strand, the complement: BRCA1 is on the minus strand). VCF-style: chr17-43094017-T-A. GRCh37 (hg19) VCF-style: chr17-41246034-T-A.
Other names: 1633A>T; c.1514A>T, p.Lys505Ile (NM_001407594.1, NM_001407596.1, NM_001407597.1 and 30 more transcripts); c.1511A>T, p.Lys504Ile (NM_001407610.1, NM_001407611.1, NM_001407627.1 and 22 more transcripts); c.1505A>T, p.Lys502Ile (NM_001407646.1, NM_001407647.1); c.1391A>T, p.Lys464Ile (NM_001407648.1, NM_001407664.1, NM_001407665.1 and 19 more transcripts); c.1388A>T, p.Lys463Ile (NM_001407649.1, NM_001407670.1, NM_001407671.1 and 11 more transcripts); c.1436A>T, p.Lys479Ile (NM_001407663.1, NM_001407653.1, NM_001407654.1 and 4 more transcripts); c.1373A>T, p.Lys458Ile (NM_001407727.1, NM_001407728.1, NM_001407729.1 and 29 more transcripts); and 41 more; short protein forms K505I, K458I, K377I, K378I, K434I, K437I, K479I, K209I.
Identifiers: ClinVar variation 252866 (VCV000252866.18), dbSNP rs879254266, ClinGen allele CA10586096.

ClinVar aggregate classification (germline): Conflicting classifications of pathogenicity. Review status: criteria provided, conflicting classifications (1 of 4 stars). 4 submissions from 4 submitters: Uncertain significance (1); Likely benign (2). 1 of the submissions does not count toward it. Last evaluated 2025-05-21.

Conditions:
Hereditary breast ovarian cancer syndrome. Also called: Hereditary breast and ovarian cancer syndrome (HBOC); Breast and ovarian cancer; Hereditary breast and ovarian cancer syndrome; Hereditary breast and ovarian cancer; BRCA1- and BRCA2-Associated Hereditary Breast and Ovarian Cancer; Hereditary breast and/or ovarian cancer syndrome. Identifiers: Orphanet 145, MedGen C0677776, MeSH D061325, MONDO:0003582. Disease mechanism: loss of function.
Hereditary cancer-predisposing syndrome. Also called: Hereditary Cancer Syndrome; Neoplastic Syndromes, Hereditary; Hereditary neoplastic syndrome; Tumor predisposition. Identifiers: Orphanet 140162, MedGen C0027672, MeSH D009386, MONDO:0015356.
Breast-ovarian cancer, familial, susceptibility to, 1 (BROVCA1). Also called: BRCA1 Hereditary Breast and Ovarian Cancer; OVARIAN CANCER, SUSCEPTIBILITY TO. Identifiers: Orphanet 145, MedGen C2676676, MONDO:0011450, OMIM 604370. Disease mechanism: loss of function.

Submissions (4):

Labcorp Genetics (formerly Invitae), Labcorp
Classification: Likely benign for Hereditary breast ovarian cancer syndrome. Last evaluated: 2025-05-21. Review status: criteria provided, single submitter. Criteria: Invitae Variant Classification Sherloc (09022015). Collection method: clinical testing. Allele origin: germline.

University of Washington Department of Laboratory Medicine, University of Washington
Classification: Likely benign for Hereditary cancer-predisposing syndrome. Last evaluated: 2023-03-23. Review status: criteria provided, single submitter. Criteria: Dines et al. (Genet Med. 2020). Collection method: curation. Allele origin: germline.
Comment: Missense variant in a coldspot region where missense variants are very unlikely to be pathogenic (PMID:31911673).

BRCA1 coldspot (exon 11 using historical exon numbering). Reclassification based on statistical prior probability

Ambry Genetics
Classification: Uncertain significance for Hereditary cancer-predisposing syndrome. Last evaluated: 2022-10-20. Review status: criteria provided, single submitter. Criteria: Ambry Variant Classification Scheme 2023. Collection method: clinical testing. Allele origin: germline.
Comment: The p.K505I variant (also known as c.1514A>T), located in coding exon 9 of the BRCA1 gene, results from an A to T substitution at nucleotide position 1514. The lysine at codon 505 is replaced by isoleucine, an amino acid with dissimilar properties. This amino acid position is highly conserved in available vertebrate species. In addition, this alteration is predicted to be deleterious by in silico analysis. Since supporting evidence is limited at this time, the clinical significance of this alteration remains unclear.

Sharing Clinical Reports Project (SCRP)
Classification: Uncertain significance for Breast-ovarian cancer, familial 1. Last evaluated: 2012-12-20. Review status: no assertion criteria provided. Collection method: clinical testing. Allele origin: germline. Not counted in ClinVar's aggregate classification.